The following is an entry in ClinVar:

ClinVar aggregate classification (germline): Uncertain significance (1 of 4 stars; one submission).

Conditions:
Melanoma, cutaneous malignant, susceptibility to, 5. Also called: Cutaneous malignant melanoma 5. Identifiers: Orphanet 618, MedGen C2751295, MONDO:0013133, OMIM 613099.

Submission:

Labcorp Genetics (formerly Invitae), Labcorp
Classification: Uncertain significance for Melanoma, cutaneous malignant, susceptibility to, 5. Last evaluated: 2023-06-17. Review status: criteria provided, single submitter. Criteria: Invitae Variant Classification Sherloc (09022015). Collection method: clinical testing. Allele origin: germline.
Comment: This variant is present in population databases (rs373224783, gnomAD 0.02%). This sequence change replaces alanine, which is neutral and non-polar, with aspartic acid, which is acidic and polar, at codon 171 of the MC1R protein (p.Ala171Asp). In summary, the available evidence is currently insufficient to determine the role of this variant in disease. Therefore, it has been classified as a Variant of Uncertain Significance. Advanced modeling of protein sequence and biophysical properties (such as structural, functional, and spatial information, amino acid conservation, physicochemical variation, residue mobility, and thermodynamic stability) performed at Invitae indicates that this missense variant is expected to disrupt MC1R protein function. ClinVar contains an entry for this variant (Variation ID: 953320). This missense change has been observed in individual(s) with melanoma (PMID: 15998953).

Literature cited by the submitters: PubMed 15998953.

NM_002386.4(MC1R):c.512C>A (p.Ala171Asp)

Gene: MC1R (melanocortin 1 receptor; plus strand). Cytogenetic location: 16q24.3.
Variant type: single nucleotide variant.
Coding change: c.512C>A on transcript NM_002386.4 (MANE Select); coding-DNA position 512, C replaced by A.
Protein change: p.Ala171Asp; replaces alanine 171 with aspartic acid.
Molecular consequence: missense variant.
Genome position (GRCh38, 1-based): chr16:89,919,770, C>A. VCF-style: chr16-89919770-C-A. GRCh37 (hg19) VCF-style: chr16-89986178-C-A.
Other names: short protein forms A171D.
Identifiers: ClinVar variation 953320 (VCV000953320.8), dbSNP rs373224783, ClinGen allele CA8255635.
Genomic context (GRCh38, chr16:89,919,770, plus strand): 5'-GCTACCACAGCATCGTGACCCTGCCGCGGGCGCGGCGAGCCGTTGCGGCCATCTGGGTGG[C>A]CAGTGTCGTCTTCAGCACGCTCTTCATCGCCTACTACGACCACGTGGCCGTCCTGCTGTG-3'
Protein context (NP_002377.4, residues 161-181): ARRAVAAIWV[Ala171Asp]SVVFSTLFIA